The following is an entry in ClinVar:

NM_014264.5(PLK4):c.442A>G (p.Met148Val)

Gene: PLK4 (polo like kinase 4; plus strand). Cytogenetic location: 4q28.1.
Variant type: single nucleotide variant.
Coding change: c.442A>G on transcript NM_014264.5 (MANE Select); coding-DNA position 442, A replaced by G.
Protein change: p.Met148Val; replaces methionine 148 with valine.
Molecular consequence: missense variant.
Genome position (GRCh38, 1-based): chr4:127,885,812, A>G. VCF-style: chr4-127885812-A-G. GRCh37 (hg19) VCF-style: chr4-128806967-A-G.
Other names: c.346A>G, p.Met116Val (NM_001190799.2); c.319A>G, p.Met107Val (NM_001190801.2); short protein forms M148V, M116V, M107V.
Identifiers: ClinVar variation 1366265 (VCV001366265.8), dbSNP rs773841522, ClinGen allele CA3076581.

ClinVar aggregate classification (germline): Uncertain significance. Review status: criteria provided, multiple submitters, no conflicts (2 of 4 stars). 2 submissions from 2 submitters: Uncertain significance (2). Last evaluated 2022-10-24.

Allele frequency attached by ClinVar (database versions not stated): gnomAD exomes below 0.00001 and 0.00002; ExAC 0.00001; gnomAD 0.00001; TOPMed 0.00003.

Submissions (2):

Labcorp Genetics (formerly Invitae), Labcorp
Classification: Uncertain significance. Last evaluated: 2022-10-24. Review status: criteria provided, single submitter. Criteria: Invitae Variant Classification Sherloc (09022015). Collection method: clinical testing. Allele origin: germline.
Comment: This sequence change replaces methionine, which is neutral and non-polar, with valine, which is neutral and non-polar, at codon 148 of the PLK4 protein (p.Met148Val). This variant is present in population databases (rs773841522, gnomAD 0.02%). This missense change has been observed in individual(s) with PLK4-related conditions (PMID: 27650967). ClinVar contains an entry for this variant (Variation ID: 1366265). Algorithms developed to predict the effect of missense changes on protein structure and function are either unavailable or do not agree on the potential impact of this missense change (SIFT: "Deleterious"; PolyPhen-2: "Probably Damaging"; Align-GVGD: "Class C15"). Experimental studies are conflicting or provide insufficient evidence to determine the effect of this variant on PLK4 function (PMID: 27650967). In summary, the available evidence is currently insufficient to determine the role of this variant in disease. Therefore, it has been classified as a Variant of Uncertain Significance.

Blueprint Genetics
Classification: Uncertain significance. Last evaluated: 2022-04-13. Review status: criteria provided, single submitter. Criteria: ACMG Guidelines, 2015. Collection method: clinical testing. Allele origin: germline.

Literature cited by the submitters: PubMed 27650967 (cited by Labcorp Genetics (formerly Invitae), Labcorp).